The following is an entry in ClinVar:

ClinVar aggregate classification (germline): Uncertain significance (1 of 4 stars; one submission).

Conditions:
Autosomal dominant nonsyndromic hearing loss 20. Identifiers: Orphanet 90635, MedGen C1858172, MONDO:0011480, OMIM 604717.
Baraitser-winter syndrome 2. Identifiers: Orphanet 2995, MedGen C3281235, MONDO:0013812, OMIM 614583.

Submission:

Labcorp Genetics (formerly Invitae), Labcorp
Classification: Uncertain significance for Baraitser-winter syndrome 2; Autosomal dominant nonsyndromic hearing loss 20. Last evaluated: 2025-10-06. Review status: criteria provided, single submitter. Criteria: Invitae Variant Classification Sherloc (09022015). Collection method: clinical testing. Allele origin: germline.
Comment: This sequence change replaces leucine, which is neutral and non-polar, with valine, which is neutral and non-polar, at codon 221 of the ACTG1 protein (p.Leu221Val). This variant is not present in population databases (gnomAD no frequency). This variant has not been reported in the literature in individuals affected with ACTG1-related conditions. Invitae Evidence Modeling of protein sequence and biophysical properties (such as structural, functional, and spatial information, amino acid conservation, physicochemical variation, residue mobility, and thermodynamic stability) indicates that this missense variant is not expected to disrupt ACTG1 protein function with a negative predictive value of 80%. In summary, the available evidence is currently insufficient to determine the role of this variant in disease. Therefore, it has been classified as a Variant of Uncertain Significance.

NM_001614.5(ACTG1):c.661C>G (p.Leu221Val)

Gene: ACTG1 (actin gamma 1; minus strand). Cytogenetic location: 17q25.3.
Variant type: single nucleotide variant.
Coding change: c.661C>G on transcript NM_001614.5 (MANE Select); coding-DNA position 661, C replaced by G.
Protein change: p.Leu221Val; replaces leucine 221 with valine.
Molecular consequence: missense variant. On other transcripts: non-coding transcript variant (1).
Genome position (GRCh38, 1-based): chr17:81,511,329, G>C on the plus strand (C>G on the coding strand, the complement: ACTG1 is on the minus strand). VCF-style: chr17-81511329-G-C. GRCh37 (hg19) VCF-style: chr17-79478355-G-C.
Other names: c.661C>G, p.Leu221Val (NM_001199954.3); short protein forms L221V.
Identifiers: ClinVar variation 4783167 (VCV004783167.1).
Genomic context (GRCh38, chr17:81,511,329, plus strand): 5'-CGTAGCTCTTCTCCAGAGAAGAGGAGGATGCGGCGGTGGCCATCTCCTGCTCGAAGTCCA[G>C]GGCGACGTAGCACAGCTTCTCCTTGATGTCGCGCACGATTTCCCGCTCGGCCGTGGTGGT-3'
Protein context (NP_001605.1, residues 211-231): DIKEKLCYVA[Leu221Val]DFEQEMATAA